The following is an entry in ClinVar:

ClinVar aggregate classification (germline): Conflicting classifications of pathogenicity. Review status: criteria provided, conflicting classifications (1 of 4 stars). 4 submissions from 4 submitters: Uncertain significance (3); Likely benign (1). Last evaluated 2025-07-07.

Conditions:
Muscular dystrophy-dystroglycanopathy (congenital with brain and eye anomalies), type a, 12 (MDDGA12). Also called: WALKER-WARBURG SYNDROME OR MUSCLE-EYE-BRAIN DISEASE, POMK-RELATED. Identifiers: Orphanet 899, MedGen C3808964, MONDO:0014101, OMIM 615249.
Limb-girdle muscular dystrophy due to POMK deficiency. Also called: Muscular dystrophy-dystroglycanopathy (limb-girdle), type c, 12; MUSCULAR DYSTROPHY-DYSTROGLYCANOPATHY, LIMB-GIRDLE, POMK-RELATED. Identifiers: Orphanet 445110, MedGen C4015184, MONDO:0014489, OMIM 616094.
Inborn genetic diseases. Identifiers: MedGen C0950123, MeSH D030342.

Allele frequency attached by ClinVar (database versions not stated): ExAC 0.00006; gnomAD 0.00013 and 0.00016; TOPMed 0.00017; gnomAD exomes 0.00004; ESP Exome Variant Server 0.00008.
gnomAD v4.1: 33 of 1,614,084 alleles (0.002%); highest among the groups gnomAD compares: African/African-American, 0.044%; no homozygotes.

Submissions (4):

GeneDx
Classification: Uncertain significance. Last evaluated: 2025-07-07. Review status: criteria provided, single submitter. Criteria: GeneDx Variant Classification Process June 2021. Collection method: clinical testing. Allele origin: germline. Affected: yes.
Comment: In silico analysis suggests that this missense variant does not alter protein structure/function; Has not been previously published as pathogenic or benign to our knowledge

Revvity Omics, Revvity
Classification: Uncertain significance. Last evaluated: 2024-03-12. Review status: criteria provided, single submitter. Criteria: ACMG Guidelines, 2015. Collection method: clinical testing. Allele origin: germline.

Ambry Genetics
Classification: Likely benign for Inborn genetic diseases. Last evaluated: 2022-09-14. Review status: criteria provided, single submitter. Criteria: Ambry Variant Classification Scheme 2023. Collection method: clinical testing. Allele origin: germline.

Labcorp Genetics (formerly Invitae), Labcorp
Classification: Uncertain significance for Muscular dystrophy-dystroglycanopathy (congenital with brain and eye anomalies), type a, 12; Limb-girdle muscular dystrophy due to POMK deficiency. Last evaluated: 2022-07-19. Review status: criteria provided, single submitter. Criteria: Invitae Variant Classification Sherloc (09022015). Collection method: clinical testing. Allele origin: germline.
Comment: This sequence change replaces valine, which is neutral and non-polar, with leucine, which is neutral and non-polar, at codon 197 of the POMK protein (p.Val197Leu). This variant is present in population databases (rs374943200, gnomAD 0.05%). This variant has not been reported in the literature in individuals affected with POMK-related conditions. ClinVar contains an entry for this variant (Variation ID: 474194). Algorithms developed to predict the effect of missense changes on protein structure and function output the following: SIFT: "Tolerated"; PolyPhen-2: "Benign"; Align-GVGD: "Class C0". The leucine amino acid residue is found in multiple mammalian species, which suggests that this missense change does not adversely affect protein function. In summary, the available evidence is currently insufficient to determine the role of this variant in disease. Therefore, it has been classified as a Variant of Uncertain Significance.

NM_032237.5(POMK):c.589G>T (p.Val197Leu)

Gene: POMK (protein O-mannose kinase; plus strand). Cytogenetic location: 8p11.21.
Variant type: single nucleotide variant.
Coding change: c.589G>T on transcript NM_032237.5 (MANE Select); coding-DNA position 589, G replaced by T.
Protein change: p.Val197Leu; replaces valine 197 with leucine.
Molecular consequence: missense variant.
Genome position (GRCh38, 1-based): chr8:43,122,413, G>T. VCF-style: chr8-43122413-G-T. GRCh37 (hg19) VCF-style: chr8-42977556-G-T.
Other names: c.589G>T (NM_032237.3); c.589G>T, p.Val197Leu (NM_001277971.2); short protein forms V197L.
Identifiers: ClinVar variation 474194 (VCV000474194.7), dbSNP rs374943200, ClinGen allele CA4736311.